The following is an entry in ClinVar:

ClinVar aggregate classification (germline): Likely benign. Review status: criteria provided, multiple submitters, no conflicts (2 of 4 stars). 2 submissions from 2 submitters: Likely benign (2). Last evaluated 2025-10-17.

Conditions:
DST-related disorder. Also called: DST-related condition; DST-related disorders.
Hereditary sensory and autonomic neuropathy type 6. Also called: HSAN VI; Neuropathy, hereditary sensory and autonomic, type VI. Identifiers: Orphanet 314381, MedGen C3539003, MONDO:0013839, OMIM 614653.
Epidermolysis bullosa simplex 3, localized or generalized intermediate, with BP230 deficiency (EBS3). Also called: Epidermolysis bullosa simplex, autosomal recessive 2; Epidermolysis bullosa simplex due to BP230 deficiency. Identifiers: Orphanet 412181, MedGen C3809470, MONDO:0014180, OMIM 615425.

Allele frequency attached by ClinVar (database versions not stated): gnomAD exomes 0.00001; ExAC 0.00002; gnomAD 0.00007; TOPMed 0.00007; ESP Exome Variant Server 0.00008.
gnomAD v4.1: 21 of 1,612,796 alleles (0.0013%); highest among the groups gnomAD compares: Admixed American, 0.035%; no homozygotes.

Submissions (2):

PreventionGenetics, part of Exact Sciences
Classification: Likely benign for DST-related condition. Last evaluated: 2025-10-17. Review status: criteria provided, single submitter. Criteria: ACMG Guidelines, 2015. Collection method: clinical testing. Allele origin: germline.
Comment: This variant is classified as likely benign based on ACMG/AMP sequence variant interpretation guidelines (Richards et al. 2015 PMID: 25741868, with internal and published modifications).

Labcorp Genetics (formerly Invitae), Labcorp
Classification: Likely benign for Epidermolysis bullosa simplex 3, localized or generalized intermediate, with BP230 deficiency; Hereditary sensory and autonomic neuropathy type 6. Last evaluated: 2023-06-01. Review status: criteria provided, single submitter. Criteria: Invitae Variant Classification Sherloc (09022015). Collection method: clinical testing. Allele origin: germline.

NM_001723.7(DST):c.4620G>A (p.Gln1540=)

Gene: DST (dystonin; minus strand). Cytogenetic location: 6p12.1.
Variant type: single nucleotide variant.
Coding change: c.4620G>A on transcript NM_001723.7 (MANE Plus Clinical); coding-DNA position 4620, G replaced by A.
Protein change: p.Gln1540=; no amino-acid change (glutamine 1540 retained).
Molecular consequence: synonymous variant. On other transcripts: intron variant (10).
Genome position (GRCh38, 1-based): chr6:56,619,414, C>T on the plus strand (G>A on the coding strand, the complement: DST is on the minus strand). VCF-style: chr6-56619414-C-T. GRCh37 (hg19) VCF-style: chr6-56484212-C-T.
Other names: c.4620G>A (NM_001723.5); c.4831-4930G>A (NM_001144769.5); c.4930-4930G>A (NM_001374722.1, NM_001374736.1); c.4957-4930G>A (NM_001374734.1); c.4417-4930G>A (NM_001144770.2); c.4297-4930G>A (NM_001374730.1, NM_001386100.1, NM_183380.4 and 1 more transcripts); c.3319-4930G>A (NM_015548.5).
Identifiers: ClinVar variation 2419382 (VCV002419382.10), dbSNP rs373472207, ClinGen allele CA3870502.